The following is an entry in ClinVar:

ClinVar aggregate classification (germline): Likely benign. Review status: criteria provided, multiple submitters, no conflicts (2 of 4 stars). 5 submissions from 5 submitters: Likely benign (3). 2 of the submissions do not count toward it. Last evaluated 2025-09-19.

Conditions:
Hereditary cancer-predisposing syndrome. Also called: Tumor predisposition; Hereditary neoplastic syndrome; Hereditary Cancer Syndrome; Neoplastic Syndromes, Hereditary. Identifiers: Orphanet 140162, MedGen C0027672, MeSH D009386, MONDO:0015356.
Hereditary breast ovarian cancer syndrome. Also called: Hereditary breast and/or ovarian cancer syndrome; Breast and ovarian cancer; Hereditary breast and ovarian cancer syndrome; Hereditary breast and ovarian cancer; Hereditary breast and ovarian cancer syndrome (HBOC); BRCA1- and BRCA2-Associated Hereditary Breast and Ovarian Cancer. Identifiers: Orphanet 145, MedGen C0677776, MeSH D061325, MONDO:0003582. Disease mechanism: loss of function.
Breast-ovarian cancer, familial, susceptibility to, 1 (BROVCA1). Also called: BRCA1 Hereditary Breast and Ovarian Cancer; OVARIAN CANCER, SUSCEPTIBILITY TO. Identifiers: Orphanet 145, MedGen C2676676, MONDO:0011450, OMIM 604370. Disease mechanism: loss of function.

gnomAD v4.1: 1 of 1,531,316 alleles (0.000065%); highest among the groups gnomAD compares: Non-Finnish European, 0.00009%; no homozygotes.

Submissions (5):

Labcorp Genetics (formerly Invitae), Labcorp
Classification: Likely benign for Hereditary breast ovarian cancer syndrome. Last evaluated: 2025-09-19. Review status: criteria provided, single submitter. Criteria: Invitae Variant Classification Sherloc (09022015). Collection method: clinical testing. Allele origin: germline.

Women's Health and Genetics/Laboratory Corporation of America, LabCorp
Classification: Likely benign. Last evaluated: 2024-11-20. Review status: criteria provided, single submitter. Criteria: LabCorp Variant Classification Summary - May 2015. Collection method: clinical testing. Allele origin: germline.
Comment: Variant summary: BRCA1 c.135-20T>G alters a conserved nucleotide located at a position not widely known to affect splicing. Consensus agreement among computation tools predict no significant impact on normal splicing. However, these predictions have yet to be confirmed by functional studies. The variant was absent in 240062 control chromosomes. The available data on variant occurrences in the general population are insufficient to allow any conclusion about variant significance. c.135-20T>G has been reported in the literature in individuals affected with Hereditary Breast And Ovarian Cancer Syndrome, without strong evidence for causality (Judkins_2005). These report(s) do not provide unequivocal conclusions about association of the variant with Hereditary Breast And Ovarian Cancer Syndrome. To our knowledge, no experimental evidence demonstrating an impact on protein function has been reported. The following publication has been ascertained in the context of this evaluation (PMID: 16267036). ClinVar contains an entry for this variant (Variation ID: 125566). Based on the evidence outlined above, the variant was classified as likely benign.

Color Diagnostics, LLC DBA Color Health
Classification: Likely benign for Hereditary cancer-predisposing syndrome. Last evaluated: 2015-02-17. Review status: criteria provided, single submitter. Criteria: ACMG Guidelines, 2015. Collection method: clinical testing. Allele origin: germline.

King Laboratory, University of Washington
Classification: Benign. Last evaluated: 2019-09-01. Review status: no assertion criteria provided. Collection method: research. Allele origin: germline. Affected: yes. Not counted in ClinVar's aggregate classification.
Comment: Transcript analysis by cBROCA

Breast Cancer Information Core (BIC) (BRCA1)
Classification: Uncertain significance for Breast-ovarian cancer, familial 1. Review status: no assertion criteria provided. Collection method: clinical testing. Allele origin: germline. Affected: yes. Observed: 1 variant allele. Not counted in ClinVar's aggregate classification.

Literature cited by the submitters: PubMed 16267036 (cited by Women's Health and Genetics/Laboratory Corporation of America, LabCorp); PubMed 31843900 (cited by King Laboratory, University of Washington).

NM_007294.4(BRCA1):c.135-20T>G

Gene: BRCA1 (BRCA1 DNA repair associated; minus strand). Cytogenetic location: 17q21.31.
Variant type: single nucleotide variant.
Coding change: c.135-20T>G on transcript NM_007294.4 (MANE Select); 20 bases into the intron before coding-DNA position 135, T replaced by G.
Molecular consequence: intron variant.
Genome position (GRCh38, 1-based): chr17:43,106,553, A>C on the plus strand (T>G on the coding strand, the complement: BRCA1 is on the minus strand). VCF-style: chr17-43106553-A-C. GRCh37 (hg19) VCF-style: chr17-41258570-A-C.
Other names: IVS4-20T>G; c.-7-20T>G (NM_001408458.1, NM_001407931.1, NM_001407747.1 and 99 more transcripts); c.-218-11693T>G (NM_001407967.1, NM_001407966.1); c.-169-1597T>G (NM_001407959.1, NM_001407962.1, NM_001408512.1 and 4 more transcripts); c.-54-20T>G (NM_001407885.1, NM_001407886.1, NM_001407898.1 and 58 more transcripts); c.135-20T>G (NM_001407686.1, NM_001408397.1, NM_001407632.1 and 167 more transcripts); c.81-1597T>G (NM_001408451.1); c.135-1597T>G (NM_001408475.1, NM_001407875.1, NM_001407659.1 and 21 more transcripts).
Identifiers: ClinVar variation 125566 (VCV000125566.20), dbSNP rs80358025, ClinGen allele CA000896.